The following is an entry in ClinVar:

NM_002299.4(LCT):c.218C>T (p.Pro73Leu)

Gene: LCT (lactase; minus strand). Cytogenetic location: 2q21.3.
Variant type: single nucleotide variant.
Coding change: c.218C>T on transcript NM_002299.4 (MANE Select); coding-DNA position 218, C replaced by T.
Protein change: p.Pro73Leu; replaces proline 73 with leucine.
Molecular consequence: missense variant.
Genome position (GRCh38, 1-based): chr2:135,836,952, G>A on the plus strand (C>T on the coding strand, the complement: LCT is on the minus strand). VCF-style: chr2-135836952-G-A. GRCh37 (hg19) VCF-style: chr2-136594522-G-A.
Other names: short protein forms P73L.
Identifiers: ClinVar variation 1904160 (VCV001904160.2), dbSNP rs555003753, ClinGen allele CA1888674.

ClinVar aggregate classification (germline): Uncertain significance (1 of 4 stars; one submission).

Allele frequency attached by ClinVar (database versions not stated): gnomAD exomes below 0.00001; TOPMed below 0.00001; gnomAD 0.00002; ExAC 0.00003; 1000 Genomes Project 30x 0.00047; 1000 Genomes Project 0.00060.
gnomAD v4.1: 7 of 1,614,148 alleles (0.00043%); highest among the groups gnomAD compares: South Asian, 0.0077%; no homozygotes.

Submission:

Labcorp Genetics (formerly Invitae), Labcorp
Classification: Uncertain significance. Last evaluated: 2022-05-27. Review status: criteria provided, single submitter. Criteria: Invitae Variant Classification Sherloc (09022015). Collection method: clinical testing. Allele origin: germline.
Comment: This sequence change replaces proline, which is neutral and non-polar, with leucine, which is neutral and non-polar, at codon 73 of the LCT protein (p.Pro73Leu). This variant is present in population databases (rs555003753, gnomAD 0.01%). This variant has not been reported in the literature in individuals affected with LCT-related conditions. Algorithms developed to predict the effect of missense changes on protein structure and function output the following: SIFT: "Not Available"; PolyPhen-2: "Benign"; Align-GVGD: "Not Available". The leucine amino acid residue is found in multiple mammalian species, which suggests that this missense change does not adversely affect protein function. In summary, the available evidence is currently insufficient to determine the role of this variant in disease. Therefore, it has been classified as a Variant of Uncertain Significance.